The following is an entry in ClinVar:

ClinVar aggregate classification (germline): Uncertain significance. Review status: criteria provided, multiple submitters, no conflicts (2 of 4 stars). 2 submissions from 2 submitters: Uncertain significance (2). Last evaluated 2026-01-13.

Conditions:
Inborn genetic diseases. Identifiers: MedGen C0950123, MeSH D030342.

Allele frequency attached by ClinVar (database versions not stated): ExAC 0.00002; TOPMed 0.00002; gnomAD exomes 0.00003; gnomAD 0.00004.

Submissions (2):

Labcorp Genetics (formerly Invitae), Labcorp
Classification: Uncertain significance. Last evaluated: 2026-01-13. Review status: criteria provided, single submitter. Criteria: Invitae Variant Classification Sherloc (09022015). Collection method: clinical testing. Allele origin: germline.
Comment: This sequence change replaces valine, which is neutral and non-polar, with alanine, which is neutral and non-polar, at codon 499 of the MBD4 protein (p.Val499Ala). This variant is present in population databases (rs780590478, gnomAD 0.004%). This variant has not been reported in the literature in individuals affected with MBD4-related conditions. ClinVar contains an entry for this variant (Variation ID: 2172042). An algorithm developed to predict the effect of missense changes on protein structure and function (PolyPhen-2) suggests that this variant is likely to be disruptive. In summary, the available evidence is currently insufficient to determine the role of this variant in disease. Therefore, it has been classified as a Variant of Uncertain Significance.

Ambry Genetics
Classification: Uncertain significance for Inborn genetic diseases. Last evaluated: 2023-12-28. Review status: criteria provided, single submitter. Criteria: Ambry Variant Classification Scheme 2023. Collection method: clinical testing. Allele origin: germline.

NM_001276270.2(MBD4):c.1478T>C (p.Val493Ala)

Gene: MBD4 (methyl-CpG binding domain 4, DNA glycosylase; minus strand). Cytogenetic location: 3q21.3.
Variant type: single nucleotide variant.
Coding change: c.1478T>C on transcript NM_001276270.2 (MANE Select); coding-DNA position 1478, T replaced by C.
Protein change: p.Val493Ala; replaces valine 493 with alanine.
Molecular consequence: missense variant.
Genome position (GRCh38, 1-based): chr3:129,433,163, A>G on the plus strand (T>C on the coding strand, the complement: MBD4 is on the minus strand). VCF-style: chr3-129433163-A-G. GRCh37 (hg19) VCF-style: chr3-129152006-A-G.
Other names: c.1496T>C, p.Val499Ala (NM_001276271.2, NM_001276272.2, NM_003925.3); c.542T>C, p.Val181Ala (NM_001276273.2); c.1496T>C (NM_003925.1); short protein forms V499A, V493A, V181A.
Identifiers: ClinVar variation 2172042 (VCV002172042.5), dbSNP rs780590478, ClinGen allele CA2605283.